The following is an entry in ClinVar:

NM_031471.6(FERMT3):c.1907T>A (p.Phe636Tyr)

Gene: FERMT3 (FERM domain containing kindlin 3; plus strand). Cytogenetic location: 11q13.1.
Variant type: single nucleotide variant.
Coding change: c.1907T>A on transcript NM_031471.6 (MANE Select); coding-DNA position 1907, T replaced by A.
Protein change: p.Phe636Tyr; replaces phenylalanine 636 with tyrosine.
Molecular consequence: missense variant.
Genome position (GRCh38, 1-based): chr11:64,223,407, T>A. VCF-style: chr11-64223407-T-A. GRCh37 (hg19) VCF-style: chr11-63990879-T-A.
Other names: c.1907T>A, p.Phe636Tyr (NM_001382361.1, NM_001382448.1); c.1919T>A, p.Phe640Tyr (NM_001382362.1, NM_178443.3); c.1367T>A, p.Phe456Tyr (NM_001382363.1); c.1379T>A, p.Phe460Tyr (NM_001382364.1); short protein forms F636Y, F640Y, F460Y, F456Y.
Identifiers: ClinVar variation 2014857 (VCV002014857.4), dbSNP rs763346603, ClinGen allele CA381090762.

ClinVar aggregate classification (germline): Uncertain significance (1 of 4 stars; one submission).

Conditions:
Leukocyte adhesion deficiency 3. Also called: Leukocyte adhesion deficiency, type III; INTEGRIN ACTIVATION DEFICIENCY DISEASE; LEUKOCYTE ADHESION DEFICIENCY 1 VARIANT. Identifiers: Orphanet 2968, Orphanet 99844, MedGen C2748536, MONDO:0013016, OMIM 612840.

Submission:

Labcorp Genetics (formerly Invitae), Labcorp
Classification: Uncertain significance for Leukocyte adhesion deficiency 3. Last evaluated: 2022-07-07. Review status: criteria provided, single submitter. Criteria: Invitae Variant Classification Sherloc (09022015). Collection method: clinical testing. Allele origin: germline.
Comment: In summary, the available evidence is currently insufficient to determine the role of this variant in disease. Therefore, it has been classified as a Variant of Uncertain Significance. Algorithms developed to predict the effect of missense changes on protein structure and function are either unavailable or do not agree on the potential impact of this missense change (SIFT: "Deleterious"; PolyPhen-2: "Probably Damaging"; Align-GVGD: "Class C0"). This variant has not been reported in the literature in individuals affected with FERMT3-related conditions. This variant is not present in population databases (gnomAD no frequency). This sequence change replaces phenylalanine, which is neutral and non-polar, with tyrosine, which is neutral and polar, at codon 636 of the FERMT3 protein (p.Phe636Tyr).